The following is an entry in ClinVar:

NC_000009.11:g.(?_97863989)_(98239149_?)dup

Genes: FANCC (FA complementation group C; minus strand), PTCH1 (patched 1; minus strand). Cytogenetic location: 9q22.32.
Variant type: Duplication.
Identifiers: ClinVar variation 3245050 (VCV003245050.1).

ClinVar aggregate classification (germline): Uncertain significance (1 of 4 stars; one submission).

Conditions:
Gorlin syndrome. Also called: Basal cell nevus syndrome; Nevoid Basal Cell Carcinoma Syndrome. Identifiers: Orphanet 377, MedGen C0004779, MONDO:0007187.

Submission:

Labcorp Genetics (formerly Invitae), Labcorp
Classification: Uncertain significance for Gorlin syndrome. Last evaluated: 2023-07-31. Review status: criteria provided, single submitter. Criteria: Invitae Variant Classification Sherloc (09022015). Collection method: clinical testing. Allele origin: unknown.
Comment: Experimental studies and prediction algorithms are not available or were not evaluated, and the functional significance of this variant is currently unknown. This variant has not been reported in the literature in individuals affected with PTCH1-related conditions. This variant results in a copy number gain of the genomic region encompassing exon(s) 11-24 of the PTCH1 gene. This region includes the termination codon of the gene. This copy number gain extends beyond the assayed region for this gene and therefore may encompass additional genes. As the precise location of this event is unknown, it may be in tandem or it may be located elsewhere in the genome. In summary, the available evidence is currently insufficient to determine the role of this variant in disease. Therefore, it has been classified as a Variant of Uncertain Significance.